The following is an entry in ClinVar:

ClinVar aggregate classification (germline): Likely benign. Review status: criteria provided, multiple submitters, no conflicts (2 of 4 stars). 4 submissions from 4 submitters: Likely benign (4). Last evaluated 2025-12-03.

Conditions:
TET2-related disorder. Also called: TET2-related condition.

Allele frequency attached by ClinVar (database versions not stated): 1000 Genomes Project 30x 0.00016; 1000 Genomes Project 0.00020; gnomAD 0.00025; TOPMed 0.00028; ExAC 0.00044.
gnomAD v4.1: 737 of 1,552,044 alleles (0.047%); highest among the groups gnomAD compares: Middle Eastern, 0.067%; no homozygotes.

Submissions (4):

Labcorp Genetics (formerly Invitae), Labcorp
Classification: Likely benign. Last evaluated: 2025-12-03. Review status: criteria provided, single submitter. Criteria: Invitae Variant Classification Sherloc (09022015). Collection method: clinical testing. Allele origin: germline.

PreventionGenetics, part of Exact Sciences
Classification: Likely benign for TET2-related condition. Last evaluated: 2025-11-18. Review status: criteria provided, single submitter. Criteria: ACMG Guidelines, 2015. Collection method: clinical testing. Allele origin: germline.
Comment: This variant is classified as likely benign based on ACMG/AMP sequence variant interpretation guidelines (Richards et al. 2015 PMID: 25741868, with internal and published modifications).

ARUP Laboratories, Molecular Genetics and Genomics, ARUP Laboratories
Classification: Likely benign. Last evaluated: 2024-10-17. Review status: criteria provided, single submitter. Criteria: ARUP Molecular Germline Variant Investigation Process 2024. Collection method: clinical testing. Allele origin: germline.

Blueprint Genetics
Classification: Likely benign. Last evaluated: 2024-09-06. Review status: criteria provided, single submitter. Criteria: ACMG Guidelines, 2015. Collection method: clinical testing. Allele origin: germline.

NM_001127208.3(TET2):c.4800C>G (p.Thr1600=)

Genes: TET2 (tet methylcytosine dioxygenase 2; plus strand), TET2-AS1 (TET2 antisense RNA 1; minus strand). Cytogenetic location: 4q24.
Variant type: single nucleotide variant.
Coding change: c.4800C>G on transcript NM_001127208.3 (MANE Select); coding-DNA position 4800, C replaced by G.
Protein change: p.Thr1600=; no amino-acid change (threonine 1600 retained).
Molecular consequence: synonymous variant.
Genome position (GRCh38, 1-based): chr4:105,275,310, C>G. VCF-style: chr4-105275310-C-G. GRCh37 (hg19) VCF-style: chr4-106196467-C-G.
Identifiers: ClinVar variation 721415 (VCV000721415.11), dbSNP rs571001409, ClinGen allele CA3032230.